The following is an entry in ClinVar:

ClinVar aggregate classification (germline): Likely benign. Review status: criteria provided, multiple submitters, no conflicts (2 of 4 stars). 3 submissions from 3 submitters: Likely benign (3). Last evaluated 2026-08-01.

Allele frequency attached by ClinVar (database versions not stated): ExAC 0.00003; gnomAD exomes 0.00003 and 0.00004; 1000 Genomes Project 30x 0.00016; 1000 Genomes Project 0.00020; gnomAD 0.00025 and 0.00028.
gnomAD v4.1: 79 of 1,612,742 alleles (0.0049%); highest among the groups gnomAD compares: African/African-American, 0.091%; no homozygotes.

Submissions (3):

CeGaT Center for Human Genetics Tuebingen
Classification: Likely benign. Last evaluated: 2026-08-01. Review status: criteria provided, single submitter. Criteria: CeGaT Center For Human Genetics Tuebingen Variant Classification Criteria Version 2. Collection method: clinical testing. Allele origin: germline. Affected: yes. Observed: 1 variant allele.
Comment: KMT2A: BP7, BS2

Labcorp Genetics (formerly Invitae), Labcorp
Classification: Likely benign. Last evaluated: 2025-11-09. Review status: criteria provided, single submitter. Criteria: Invitae Variant Classification Sherloc (09022015). Collection method: clinical testing. Allele origin: germline.

GeneDx
Classification: Likely benign. Last evaluated: 2021-07-08. Review status: criteria provided, single submitter. Criteria: GeneDx Variant Classification Process June 2021. Collection method: clinical testing. Allele origin: germline. Affected: yes.

NM_001197104.2(KMT2A):c.6123C>T (p.Ser2041=)

Gene: KMT2A (lysine methyltransferase 2A; plus strand). Cytogenetic location: 11q23.3.
Variant type: single nucleotide variant.
Coding change: c.6123C>T on transcript NM_001197104.2 (MANE Select); coding-DNA position 6123, C replaced by T.
Protein change: p.Ser2041=; no amino-acid change (serine 2041 retained).
Molecular consequence: synonymous variant.
Genome position (GRCh38, 1-based): chr11:118,499,878, C>T. VCF-style: chr11-118499878-C-T. GRCh37 (hg19) VCF-style: chr11-118370593-C-T.
Other names: c.6114C>T, p.Ser2038= (NM_005933.4).
Identifiers: ClinVar variation 1202453 (VCV001202453.12), dbSNP rs546635239, ClinGen allele CA6304183.